The following is an entry in ClinVar:

ClinVar aggregate classification (germline): Pathogenic (1 of 4 stars; one submission).

Conditions:
Hereditary cancer-predisposing syndrome. Also called: Neoplastic Syndromes, Hereditary; Tumor predisposition; Hereditary Cancer Syndrome; Hereditary neoplastic syndrome. Identifiers: Orphanet 140162, MedGen C0027672, MeSH D009386, MONDO:0015356.

Submission:

Ambry Genetics
Classification: Pathogenic for Hereditary cancer-predisposing syndrome. Last evaluated: 2014-02-11. Review status: criteria provided, single submitter. Criteria: Ambry Autosomal Dominant and X-Linked criteria (10/2015). Collection method: clinical testing. Allele origin: germline. Observed: 1 variant allele.
Comment: The c.9257-5_9278del27 pathogenic mutation (also known as 9485-5_ 9506del27), spans the last 5 nucleotides of intron 23 and the the first 22 nucleotides of coding exon 24 of the BRCA2 gene. This results in the disruption of the native splice acceptor site. Using the BDGP and ESEfinder splice site prediction tools, this alteration is predicted to weaken the efficiency of the native splice acceptor site; however, direct evidence is unavailable. In addition, this alteration results in the deletion of the first 22 nucleotides of coding exon 24 and is predicted to cause a translational frameshift with an alternate stop codon. Since frameshifts are typically deleterious in nature, this alteration is interpreted as a disease-causing mutation (ACMG Recommendations for Standards for Interpretation and Reporting of Sequence Variations. Revision 2007. Genet Med. 2008;10:294).

NM_000059.4(BRCA2):c.9257-5_9278del

Gene: BRCA2 (BRCA2 DNA repair associated; plus strand). Cytogenetic location: 13q13.1.
Variant type: Deletion.
Coding change: c.9257-5_9278del on transcript NM_000059.4 (MANE Select); 5 bases into the intron before coding-DNA position 9257 through coding-DNA position 9278, 27 bases deleted (TCTAGGACTTGCCCCTTTCGTCTATTT).
Molecular consequence: splice acceptor variant.
Genome position (GRCh38, 1-based): chr13:32,394,684-32,394,710, TCTAGGACTTGCCCCTTTCGTCTATTT deleted; deleting any 27 consecutive bases within chr13:32,394,683-32,394,710 gives the same sequence; the c. name uses the placement nearest the transcript's 3' end. VCF-style (leftmost placement, unchanged base first): chr13-32394682-ATTCTAGGACTTGCCCCTTTCGTCTATT-A. GRCh37 (hg19) VCF-style: chr13-32968819-ATTCTAGGACTTGCCCCTTTCGTCTATT-A.
Other names: c.9257-5_9278del27 (NM_000059.3).
Identifiers: ClinVar variation 141309 (VCV000141309.3), dbSNP rs587781648, ClinGen allele CA165073.